The following is an entry in ClinVar:

ClinVar aggregate classification (germline): Uncertain significance (0 of 4 stars; one submission).

Conditions:
Prostate cancer. Also called: Malignant tumor of prostate. Identifiers: Orphanet 1331, MedGen C0376358, MONDO:0008315, HP:0012125.

Allele frequency attached by ClinVar (database versions not stated): TOPMed 0.00001.
gnomAD v4.1: 2 of 1,614,004 alleles (0.00012%); highest among the groups gnomAD compares: East Asian, 0.0022%; no homozygotes.

Submission:

Science for Life laboratory,  Karolinska Institutet
Classification: Uncertain significance for Malignant tumor of prostate. Review status: no assertion criteria provided. Collection method: not provided. Allele origin: somatic.
Comment: TumorID:SWE-2
ClinVar note: Converted during submission from Unknown to Uncertain significance.

NM_015057.5(MYCBP2):c.7770G>A (p.Met2590Ile)

Gene: MYCBP2 (MYC binding protein 2; minus strand). Cytogenetic location: 13q22.3.
Variant type: single nucleotide variant.
Coding change: c.7770G>A on transcript NM_015057.5 (MANE Select); coding-DNA position 7770, G replaced by A.
Protein change: p.Met2590Ile; replaces methionine 2590 with isoleucine.
Molecular consequence: missense variant.
Genome position (GRCh38, 1-based): chr13:77,126,432, C>T on the plus strand (G>A on the coding strand, the complement: MYCBP2 is on the minus strand). VCF-style: chr13-77126432-C-T. GRCh37 (hg19) VCF-style: chr13-77700567-C-T.
Other names: short protein forms M2590I.
Identifiers: ClinVar variation 161690 (VCV000161690.2), dbSNP rs193920951, ClinGen allele CA174603.
Genomic context (GRCh38, chr13:77,126,432, plus strand): 5'-TCTAAGGTTAGGGCAGCTTCTGATGTTGTGACCTGAAGGTCCCGTCTTCACTACCTTGTA[C>T]ATGCCTGGCCCTCCTCGCAAGAATGGCATATCTTGTTCTTGCATTGTTGCTTCCTGTGGG-3'
Protein context (NP_055872.4, residues 2580-2600): DMPFLRGGPG[Met2590Ile]YKVVKTGPSG